The following is an entry in ClinVar:

ClinVar aggregate classification (germline): Uncertain significance (1 of 4 stars; one submission).

Submission:

Labcorp Genetics (formerly Invitae), Labcorp
Classification: Uncertain significance. Last evaluated: 2022-02-24. Review status: criteria provided, single submitter. Criteria: Invitae Variant Classification Sherloc (09022015). Collection method: clinical testing. Allele origin: germline.
Comment: In summary, the available evidence is currently insufficient to determine the role of this variant in disease. Therefore, it has been classified as a Variant of Uncertain Significance. This variant has not been reported in the literature in individuals affected with GHR-related conditions. A copy number gain of the genomic region encompassing the full coding sequence of the GHR gene has been identified. The boundaries of this event are unknown as they extend beyond the assayed region for this gene and therefore may encompass additional genes. As the precise location of this event is unknown, it may be in tandem or it may be located elsewhere in the genome.

NC_000005.9:g.(?_42565977)_(42719526_?)dup

Gene: GHR (growth hormone receptor; plus strand). Cytogenetic location: 5p12.
Variant type: Duplication.
Identifiers: ClinVar variation 2422502 (VCV002422502.4).